The following is an entry in ClinVar:

ClinVar aggregate classification (germline): Uncertain significance (1 of 4 stars; one submission).

gnomAD v4.1: 7 of 1,614,020 alleles (0.00043%); highest among the groups gnomAD compares: East Asian, 0.0045%; no homozygotes.

Submission:

Labcorp Genetics (formerly Invitae), Labcorp
Classification: Uncertain significance. Last evaluated: 2023-10-13. Review status: criteria provided, single submitter. Criteria: Invitae Variant Classification Sherloc (09022015). Collection method: clinical testing. Allele origin: germline.
Comment: This sequence change replaces arginine, which is basic and polar, with histidine, which is basic and polar, at codon 474 of the ATP2B4 protein (p.Arg474His). This variant is present in population databases (no rsID available, gnomAD 0.006%). This variant has not been reported in the literature in individuals affected with ATP2B4-related conditions. ClinVar contains an entry for this variant (Variation ID: 1400320). Advanced modeling of protein sequence and biophysical properties (such as structural, functional, and spatial information, amino acid conservation, physicochemical variation, residue mobility, and thermodynamic stability) has been performed at Invitae for this missense variant, however the output from this modeling did not meet the statistical confidence thresholds required to predict the impact of this variant on ATP2B4 protein function. In summary, the available evidence is currently insufficient to determine the role of this variant in disease. Therefore, it has been classified as a Variant of Uncertain Significance.

NM_001684.5(ATP2B4):c.1421G>A (p.Arg474His)

Gene: ATP2B4 (ATPase plasma membrane Ca2+ transporting 4; plus strand). Cytogenetic location: 1q32.1.
Variant type: single nucleotide variant.
Coding change: c.1421G>A on transcript NM_001684.5 (MANE Select); coding-DNA position 1421, G replaced by A.
Protein change: p.Arg474His; replaces arginine 474 with histidine.
Molecular consequence: missense variant.
Genome position (GRCh38, 1-based): chr1:203,707,968, G>A. VCF-style: chr1-203707968-G-A. GRCh37 (hg19) VCF-style: chr1-203677096-G-A.
Other names: c.1421G>A, p.Arg474His (NM_001001396.3, NM_001365783.2, NM_001365784.2); short protein forms R474H.
Identifiers: ClinVar variation 1400320 (VCV001400320.6), dbSNP rs774019293, ClinGen allele CA344314192.